The following is an entry in ClinVar:

ClinVar aggregate classification (germline): Conflicting classifications of pathogenicity. Review status: criteria provided, conflicting classifications (1 of 4 stars). 5 submissions from 5 submitters: Uncertain significance (4); Likely benign (1). Last evaluated 2025-10-01.

Conditions:
Fanconi anemia complementation group J. Also called: BRIP1-Related Fanconi Anemia. Identifiers: Orphanet 84, MedGen C1836860, MONDO:0012187, OMIM 609054.
Familial cancer of breast. Also called: Hereditary breast cancer; hereditary breast carcinoma; BREAST CANCER, FAMILIAL. Identifiers: Orphanet 227535, MedGen C0346153, MONDO:0016419, OMIM 114480. Disease mechanism: loss of function.
Hereditary cancer-predisposing syndrome. Also called: Hereditary Cancer Syndrome; Neoplastic Syndromes, Hereditary; Tumor predisposition; Hereditary neoplastic syndrome. Identifiers: Orphanet 140162, MedGen C0027672, MeSH D009386, MONDO:0015356.

Allele frequency attached by ClinVar (database versions not stated): ExAC 0.00001; gnomAD 0.00001; TOPMed 0.00002.
gnomAD v4.1: 17 of 1,613,952 alleles (0.0011%); highest among the groups gnomAD compares: Non-Finnish European, 0.0014%; no homozygotes.

Submissions (5):

Labcorp Genetics (formerly Invitae), Labcorp
Classification: Uncertain significance for Familial cancer of breast; Fanconi anemia complementation group J. Last evaluated: 2025-10-01. Review status: criteria provided, single submitter. Criteria: Invitae Variant Classification Sherloc (09022015). Collection method: clinical testing. Allele origin: germline.
Comment: This sequence change replaces asparagine, which is neutral and polar, with lysine, which is basic and polar, at codon 568 of the BRIP1 protein (p.Asn568Lys). This variant is present in population databases (rs763458922, gnomAD 0.0009%). This missense change has been observed in individual(s) with breast cancer (PMID: 26921362). ClinVar contains an entry for this variant (Variation ID: 230476). Invitae Evidence Modeling of protein sequence and biophysical properties (such as structural, functional, and spatial information, amino acid conservation, physicochemical variation, residue mobility, and thermodynamic stability) has been performed for this missense variant. However, the output from this modeling did not meet the statistical confidence thresholds required to predict the impact of this variant on BRIP1 protein function. In summary, the available evidence is currently insufficient to determine the role of this variant in disease. Therefore, it has been classified as a Variant of Uncertain Significance.

Ambry Genetics
Classification: Likely benign for Hereditary cancer-predisposing syndrome. Last evaluated: 2025-03-11. Review status: criteria provided, single submitter. Criteria: Ambry Variant Classification Scheme 2023. Collection method: clinical testing. Allele origin: germline.

GeneDx
Classification: Uncertain significance. Last evaluated: 2025-03-02. Review status: criteria provided, single submitter. Criteria: GeneDx Variant Classification Process June 2021. Collection method: clinical testing. Allele origin: germline. Affected: yes.
Comment: Not observed at significant frequency in large population cohorts (gnomAD); In silico analysis indicates that this missense variant does not alter protein structure/function; Observed in individuals with breast cancer (PMID: 26921362); This variant is associated with the following publications: (PMID: 26921362)

Color Diagnostics, LLC DBA Color Health
Classification: Uncertain significance for Hereditary cancer-predisposing syndrome. Last evaluated: 2024-02-20. Review status: criteria provided, single submitter. Criteria: ACMG Guidelines, 2015. Collection method: clinical testing. Allele origin: germline.
Comment: This missense variant replaces asparagine with lysine at codon 568 of the BRIP1 protein. Computational prediction suggests that this variant may not impact protein structure and function. To our knowledge, functional studies have not been reported for this variant. This variant has not been reported in individuals affected with BRIP1-related disorders in the literature. This variant has been identified in 1/251398 chromosomes in the general population by the Genome Aggregation Database (gnomAD). The available evidence is insufficient to determine the role of this variant in disease conclusively. Therefore, this variant is classified as a Variant of Uncertain Significance.

Baylor Genetics
Classification: Uncertain significance for Familial cancer of breast. Last evaluated: 2023-09-30. Review status: criteria provided, single submitter. Criteria: ACMG Guidelines, 2015. Collection method: clinical testing. Allele origin: unknown.

Literature cited by the submitters: PubMed 26921362 (cited by Labcorp Genetics (formerly Invitae), Labcorp and Ambry Genetics).

NM_032043.3(BRIP1):c.1704T>G (p.Asn568Lys)

Gene: BRIP1 (BRCA1 interacting DNA helicase 1; minus strand). Cytogenetic location: 17q23.2.
Variant type: single nucleotide variant.
Coding change: c.1704T>G on transcript NM_032043.3 (MANE Select); coding-DNA position 1704, T replaced by G.
Protein change: p.Asn568Lys; replaces asparagine 568 with lysine.
Molecular consequence: missense variant.
Genome position (GRCh38, 1-based): chr17:61,780,930, A>C on the plus strand (T>G on the coding strand, the complement: BRIP1 is on the minus strand). VCF-style: chr17-61780930-A-C. GRCh37 (hg19) VCF-style: chr17-59858291-A-C.
Other names: short protein forms N568K.
Identifiers: ClinVar variation 230476 (VCV000230476.24), dbSNP rs763458922, ClinGen allele CA8690685.